The following is an entry in ClinVar:

NM_014431.3(PALD1):c.2028C>T (p.Val676=)

Gene: PALD1 (phosphatase domain containing paladin 1; plus strand). Cytogenetic location: 10q22.1.
Variant type: single nucleotide variant.
Coding change: c.2028C>T on transcript NM_014431.3 (MANE Select); coding-DNA position 2028, C replaced by T.
Protein change: p.Val676=; no amino-acid change (valine 676 retained).
Molecular consequence: synonymous variant.
Genome position (GRCh38, 1-based): chr10:70,541,221, C>T. VCF-style: chr10-70541221-C-T. GRCh37 (hg19) VCF-style: chr10-72300977-C-T.
Identifiers: ClinVar variation 2640555 (VCV002640555.24), dbSNP rs45488693, ClinGen allele CA5538478.

ClinVar aggregate classification (germline): Likely benign (1 of 4 stars; one submission).

Allele frequency attached by ClinVar (database versions not stated): 1000 Genomes Project 0.00040; 1000 Genomes Project 30x 0.00062; gnomAD 0.00110; TOPMed 0.00122; ExAC 0.00124; gnomAD exomes 0.00168; ESP Exome Variant Server 0.00169.
gnomAD v4.1: 2,588 of 1,609,104 alleles (0.16%); highest among the groups gnomAD compares: South Asian, 0.2%; 8 homozygotes.

Submission:

CeGaT Center for Human Genetics Tuebingen
Classification: Likely benign. Last evaluated: 2022-11-01. Review status: criteria provided, single submitter. Criteria: CeGaT Center For Human Genetics Tuebingen Variant Classification Criteria Version 2. Collection method: clinical testing. Allele origin: germline. Affected: yes. Observed: 1 variant allele.
Comment: PALD1: BP4, BP7